The following is an entry in ClinVar:

ClinVar aggregate classification (germline): Uncertain significance (1 of 4 stars; one submission).

Allele frequency attached by ClinVar (database versions not stated): TOPMed 0.00002; gnomAD 0.00003.
gnomAD v4.1: 5 of 1,521,852 alleles (0.00033%); highest among the groups gnomAD compares: Admixed American, 0.0061%; no homozygotes.

Submission:

Labcorp Genetics (formerly Invitae), Labcorp
Classification: Uncertain significance. Last evaluated: 2024-01-24. Review status: criteria provided, single submitter. Criteria: Invitae Variant Classification Sherloc (09022015). Collection method: clinical testing. Allele origin: germline.
Comment: This sequence change replaces phenylalanine, which is neutral and non-polar, with isoleucine, which is neutral and non-polar, at codon 44 of the PIEZO1 protein (p.Phe44Ile). This variant is not present in population databases (gnomAD no frequency). This variant has not been reported in the literature in individuals affected with PIEZO1-related conditions. Advanced modeling of protein sequence and biophysical properties (such as structural, functional, and spatial information, amino acid conservation, physicochemical variation, residue mobility, and thermodynamic stability) performed at Invitae indicates that this missense variant is not expected to disrupt PIEZO1 protein function with a negative predictive value of 80%. In summary, the available evidence is currently insufficient to determine the role of this variant in disease. Therefore, it has been classified as a Variant of Uncertain Significance.

NM_001142864.4(PIEZO1):c.130T>A (p.Phe44Ile)

Gene: PIEZO1 (piezo type mechanosensitive ion channel component 1 (Er blood group); minus strand). Cytogenetic location: 16q24.3.
Variant type: single nucleotide variant.
Coding change: c.130T>A on transcript NM_001142864.4 (MANE Select); coding-DNA position 130, T replaced by A.
Protein change: p.Phe44Ile; replaces phenylalanine 44 with isoleucine.
Molecular consequence: missense variant.
Genome position (GRCh38, 1-based): chr16:88,749,414, A>T on the plus strand (T>A on the coding strand, the complement: PIEZO1 is on the minus strand). VCF-style: chr16-88749414-A-T. GRCh37 (hg19) VCF-style: chr16-88815822-A-T.
Other names: short protein forms F44I.
Identifiers: ClinVar variation 2899144 (VCV002899144.3), dbSNP rs1046616013, ClinGen allele CA286454566.
Genomic context (GRCh38, chr16:88,749,414, plus strand): 5'-GAGAGCGTGGGCAGGGTCCCCTGGCCTTACCTTGGAGGCCGCATCGGGTGGGGCCGGGGA[A>T]CCAGGGCAGCAGCAGCAGGAAGAGCAGGTAGACCAGCGAGAGTCCGCTGAAGCGGAGCAG-3'
Protein context (NP_001136336.2, residues 34-54): YLLFLLLLPW[Phe44Ile]PGPTRCGLQG